The following is an entry in ClinVar:

ClinVar aggregate classification (germline): Conflicting classifications of pathogenicity. Review status: criteria provided, conflicting classifications (1 of 4 stars). 3 submissions from 3 submitters: Likely pathogenic (1); Uncertain significance (2). Last evaluated 2026-08-27.

Conditions:
Inborn genetic diseases. Identifiers: MedGen C0950123, MeSH D030342.
Early-infantile DEE. Also called: Early infantile epileptic encephalopathy with suppression bursts; Early infantile epileptic encephalopathy; Ohtahara syndrome. Identifiers: Orphanet 1934, MedGen C0393706, MONDO:0800491.

Allele frequency attached by ClinVar (database versions not stated): TOPMed below 0.00001.
gnomAD v4.1: 1 of 1,614,116 alleles (0.000062%); no homozygotes.

Submissions (3):

Ambry Genetics
Classification: Uncertain significance for Inborn genetic diseases. Last evaluated: 2026-08-27. Review status: criteria provided, single submitter. Criteria: Ambry Variant Classification Scheme 2023. Collection method: clinical testing. Allele origin: germline.
Comment: The c.5272G>A (p.V1758M) alteration is located in exon 27 (coding exon 26) of the SCN8A gene. This alteration results from a G to A substitution at nucleotide position 5272, causing the valine (V) at amino acid position 1758 to be replaced by a methionine (M). This variant was not reported in population-based cohorts in the Genome Aggregation Database (gnomAD). Other variant(s) at the same codon, c.5273T>C (p.V1758A), have been identified in individual(s) with features consistent with SCN8A-related disorders (Johannesen, 2019). This amino acid position is highly conserved in available vertebrate species. This missense variant is located in a region that has a low rate of benign missense variation (Lek, 2016; Firth, 2009). This alteration is predicted to be deleterious by in silico analysis. Based on insufficient or conflicting evidence, the clinical significance of this alteration remains unclear.

Labcorp Genetics (formerly Invitae), Labcorp
Classification: Likely pathogenic for Early-infantile DEE. Last evaluated: 2023-12-14. Review status: criteria provided, single submitter. Criteria: Invitae Variant Classification Sherloc (09022015). Collection method: clinical testing. Allele origin: germline.
Comment: This sequence change replaces valine, which is neutral and non-polar, with methionine, which is neutral and non-polar, at codon 1758 of the SCN8A protein (p.Val1758Met). This variant is not present in population databases (gnomAD no frequency). This variant has not been reported in the literature in individuals affected with SCN8A-related conditions. Advanced modeling of protein sequence and biophysical properties (such as structural, functional, and spatial information, amino acid conservation, physicochemical variation, residue mobility, and thermodynamic stability) performed at Invitae indicates that this missense variant is expected to disrupt SCN8A protein function with a positive predictive value of 95%. This variant disrupts the p.Val1758 amino acid residue in SCN8A. Other variant(s) that disrupt this residue have been determined to be pathogenic (PMID: 30968951, 31402610). This suggests that this residue is clinically significant, and that variants that disrupt this residue are likely to be disease-causing. In summary, the currently available evidence indicates that the variant is pathogenic, but additional data are needed to prove that conclusively. Therefore, this variant has been classified as Likely Pathogenic.

Greenwood Genetic Center Diagnostic Laboratories, Greenwood Genetic Center
Classification: Uncertain significance. Last evaluated: 2023-11-08. Review status: criteria provided, single submitter. Criteria: ACMG Guidelines, 2015. Collection method: clinical testing. Allele origin: germline. Affected: yes.
Comment: PM5, BS2, PP2, PP3

Literature cited by the submitters: PubMed 30968951 (cited by Ambry Genetics and Labcorp Genetics (formerly Invitae), Labcorp); PubMed 31402610 (cited by Ambry Genetics and Labcorp Genetics (formerly Invitae), Labcorp); PubMed 34431999 (cited by Ambry Genetics).

NM_001330260.2(SCN8A):c.5272G>A (p.Val1758Met)

Gene: SCN8A (sodium voltage-gated channel alpha subunit 8; plus strand). Cytogenetic location: 12q13.13.
Variant type: single nucleotide variant.
Coding change: c.5272G>A on transcript NM_001330260.2 (MANE Select); coding-DNA position 5272, G replaced by A.
Protein change: p.Val1758Met; replaces valine 1758 with methionine.
Molecular consequence: missense variant.
Genome position (GRCh38, 1-based): chr12:51,806,758, G>A. VCF-style: chr12-51806758-G-A. GRCh37 (hg19) VCF-style: chr12-52200542-G-A.
Other names: c.5272G>A (NM_014191.2); c.5149G>A, p.Val1717Met (NM_001177984.3, NM_001369788.1); c.5272G>A, p.Val1758Met (NM_014191.4); short protein forms V1758M, V1717M.
Identifiers: ClinVar variation 2692452 (VCV002692452.5), dbSNP rs1938712776, ClinGen allele CA384885121.